The following is an entry in ClinVar:

ClinVar aggregate classification (germline): Conflicting classifications of pathogenicity. Review status: criteria provided, conflicting classifications (1 of 4 stars). 3 submissions from 3 submitters: Likely pathogenic (1); Uncertain significance (1); Likely benign (1). Last evaluated 2025-11-14.

Conditions:
Glycine encephalopathy 1 (GCE1). Identifiers: MedGen CN376801, MONDO:0958179, OMIM 605899.
Glycine encephalopathy. Also called: Nonketotic hyperglycinemia; Non-ketotic hyperglycinemia. Identifiers: Orphanet 407, MedGen C0751748, MONDO:0011612, HP:0008288.

Submissions (3):

GeneDx
Classification: Uncertain significance. Last evaluated: 2025-11-14. Review status: criteria provided, single submitter. Criteria: GeneDx Variant Classification Process June 2021. Collection method: clinical testing. Allele origin: germline.
Comment: Has not been previously published as pathogenic or benign to our knowledge; RNA studies demonstrate a damaging effect: incomplete splice effect resulting in exon 11 skipping (External communication with NYU Undiagnosed Diseases Program, NYU School of Medicine); Not observed at significant frequency in large population cohorts (gnomAD); In silico analysis suggests that this variant does not alter splicing

NYU Undiagnosed Diseases Program, NYU School of Medicine
Classification: Likely pathogenic for Glycine encephalopathy 1. Last evaluated: 2024-10-22. Review status: criteria provided, single submitter. Criteria: ACMG Guidelines, 2015. Collection method: research. Allele origin: germline. Inheritance: Autosomal recessive inheritance. Affected: yes. Observed: 1 homozygote.
Comment: This variant interferes with splicing and results in the skipping of exon 11 (NM_000170.3), which spans 81 base pairs at coordinates chr9: 6592143-6592223. Exon 11 is skipped in approximately 75% of the transcripts. This splicing abnormality was not observed in RNA-sequencing data from control samples. This exon skipping event does not cause a frameshift of the transcript. The splice site variant occurs at a highly conserved base and the skipped exon contains a conserved protein domain. An exon 11 deletion has been previously reported as a pathogenic variant in an individual with NKH (PMID: 27362913). We classify this variant as Likely Pathogenic based on its absence from the healthy population (gnomAD v4 database), the consistency of the gene with the disease seen in affected individuals, and observation of the skipped exon using RNA-sequencing. Note that this classification is based on unpublished RNA-sequencing research results.

Labcorp Genetics (formerly Invitae), Labcorp
Classification: Likely benign for Glycine encephalopathy. Last evaluated: 2022-05-25. Review status: criteria provided, single submitter. Criteria: Invitae Variant Classification Sherloc (09022015). Collection method: clinical testing. Allele origin: germline.

Literature cited by the submitters: PubMed 27362913 (cited by NYU Undiagnosed Diseases Program, NYU School of Medicine).

NM_000170.3(GLDC):c.1402-13T>G

Gene: GLDC (glycine decarboxylase; minus strand). Cytogenetic location: 9p24.1.
Variant type: single nucleotide variant.
Coding change: c.1402-13T>G on transcript NM_000170.3 (MANE Select); 13 bases into the intron before coding-DNA position 1402, T replaced by G.
Molecular consequence: intron variant.
Genome position (GRCh38, 1-based): chr9:6,592,236, A>C on the plus strand (T>G on the coding strand, the complement: GLDC is on the minus strand). VCF-style: chr9-6592236-A-C. GRCh37 (hg19) VCF-style: chr9-6592236-A-C.
Identifiers: ClinVar variation 1998852 (VCV001998852.7), dbSNP rs2489084155, ClinGen allele CA2580080251.
Genomic context (GRCh38, chr9:6,592,236, plus strand): 5'-ATCGTCCAGATCTTTTTCATTGACTGTTTCATCAAGAGAAATACCAAGCTACAGAAACAC[A>C]AACAAAATGGAAAACATCAACTCTAAACTCCACATCACTGGAGGAATCCCAAGAGAGGTC-3'